The following is an entry in ClinVar:

ClinVar aggregate classification (germline): Uncertain significance (1 of 4 stars; one submission).

Allele frequency attached by ClinVar (database versions not stated): TOPMed below 0.00001.

Submission:

Ambry Genetics
Classification: Uncertain significance. Last evaluated: 2024-01-31. Review status: criteria provided, single submitter. Criteria: Ambry Variant Classification Scheme 2023. Collection method: clinical testing. Allele origin: germline.
Comment: The p.R738C variant (also known as c.2212C>T), located in coding exon 18 of the RAD54L gene, results from a C to T substitution at nucleotide position 2212. The arginine at codon 738 is replaced by cysteine, an amino acid with highly dissimilar properties. This amino acid position is conserved. In addition, the in silico prediction for this alteration is inconclusive. Since supporting evidence is limited at this time, the clinical significance of this alteration remains unclear.

NM_003579.4(RAD54L):c.2212C>T (p.Arg738Cys)

Genes: LRRC41 (leucine rich repeat containing 41; minus strand), RAD54L (RAD54 like; plus strand). Cytogenetic location: 1p34.1.
Variant type: single nucleotide variant.
Coding change: c.2212C>T on transcript NM_003579.4 (MANE Select); coding-DNA position 2212, C replaced by T.
Protein change: p.Arg738Cys; replaces arginine 738 with cysteine.
Molecular consequence: missense variant. On other transcripts: 3 prime UTR variant (1).
Genome position (GRCh38, 1-based): chr1:46,278,250, C>T. VCF-style: chr1-46278250-C-T. GRCh37 (hg19) VCF-style: chr1-46743922-C-T.
Other names: c.*615G>A (NM_006369.5); c.2212C>T, p.Arg738Cys (NM_001142548.2); c.1672C>T, p.Arg558Cys (NM_001370766.1); short protein forms R738C, R558C.
Identifiers: ClinVar variation 1787784 (VCV001787784.2), dbSNP rs1660683386, ClinGen allele CA340191470.